The following is an entry in ClinVar:

NM_005604.4(POU3F2):c.462G>T (p.Leu154=)

Gene: POU3F2 (POU class 3 homeobox 2; plus strand). Cytogenetic location: 6q16.1.
Variant type: single nucleotide variant.
Coding change: c.462G>T on transcript NM_005604.4 (MANE Select); coding-DNA position 462, G replaced by T.
Protein change: p.Leu154=; no amino-acid change (leucine 154 retained).
Molecular consequence: synonymous variant.
Genome position (GRCh38, 1-based): chr6:98,835,335, G>T. VCF-style: chr6-98835335-G-T. GRCh37 (hg19) VCF-style: chr6-99283211-G-T.
Identifiers: ClinVar variation 3040169 (VCV003040169.2), dbSNP rs1344904623, ClinGen allele CA451585412.

ClinVar aggregate classification (germline): Likely benign (0 of 4 stars; one submission).

Conditions:
POU3F2-related disorder. Also called: POU3F2-related condition.

gnomAD v4.1: 17 of 1,546,298 alleles (0.0011%); highest among the groups gnomAD compares: African/African-American, 0.017%; no homozygotes.

Submission:

PreventionGenetics, part of Exact Sciences
Classification: Likely benign for POU3F2-related condition. Last evaluated: 2019-09-19. Review status: no assertion criteria provided. Collection method: clinical testing. Allele origin: germline.
Comment: This variant is classified as likely benign based on ACMG/AMP sequence variant interpretation guidelines (Richards et al. 2015 PMID: 25741868, with internal and published modifications).